The following is an entry in ClinVar:

ClinVar aggregate classification (germline): Uncertain significance (1 of 4 stars; one submission).

Submission:

Labcorp Genetics (formerly Invitae), Labcorp
Classification: Uncertain significance. Last evaluated: 2023-10-24. Review status: criteria provided, single submitter. Criteria: Invitae Variant Classification Sherloc (09022015). Collection method: clinical testing. Allele origin: germline.
Comment: This sequence change replaces valine, which is neutral and non-polar, with leucine, which is neutral and non-polar, at codon 15 of the NOG protein (p.Val15Leu). This variant is not present in population databases (gnomAD no frequency). This variant has not been reported in the literature in individuals affected with NOG-related conditions. An algorithm developed to predict the effect of missense changes on protein structure and function (PolyPhen-2) suggests that this variant is likely to be tolerated. In summary, the available evidence is currently insufficient to determine the role of this variant in disease. Therefore, it has been classified as a Variant of Uncertain Significance.

NM_005450.6(NOG):c.43G>T (p.Val15Leu)

Gene: NOG (noggin; plus strand). Cytogenetic location: 17q22.
Variant type: single nucleotide variant.
Coding change: c.43G>T on transcript NM_005450.6 (MANE Select); coding-DNA position 43, G replaced by T.
Protein change: p.Val15Leu; replaces valine 15 with leucine.
Molecular consequence: missense variant.
Genome position (GRCh38, 1-based): chr17:56,594,266, G>T. VCF-style: chr17-56594266-G-T. GRCh37 (hg19) VCF-style: chr17-54671627-G-T.
Other names: short protein forms V15L.
Identifiers: ClinVar variation 2771612 (VCV002771612.3), dbSNP rs1279966877, ClinGen allele CA399964120.